The following is an entry in ClinVar:

NC_000017.11:g.14301519_15331585del

Genes: CDRT7 (CMT1A duplicated region transcript 7; plus strand), CDRT8 (CMT1A duplicated region transcript 8; minus strand), HS3ST3B1 (heparan sulfate-glucosamine 3-sulfotransferase 3B1; plus strand), LINC02096 (long independently transcribed non-coding RNA 2096; plus strand), LROMI1 (lncRNA regulator of macrophage immunity 1; plus strand) and 12 more. Cytogenetic location: 17p12.
Variant type: Deletion.
Identifiers: ClinVar variation 3776801 (VCV003776801.1).

ClinVar aggregate classification (germline): Likely pathogenic (1 of 4 stars; one submission).

Conditions:
Charcot-Marie-Tooth disease type 1E. Also called: CHARCOT-MARIE-TOOTH DISEASE, DEMYELINATING, TYPE 1E; CHARCOT-MARIE-TOOTH NEUROPATHY AND DEAFNESS, AUTOSOMAL DOMINANT; Charcot-Marie-Tooth disease and deafness; Charcot-Marie-Tooth Neuropathy Type 1E. Identifiers: Orphanet 90658, MedGen C3495591, MONDO:0007311, OMIM 118300.

Submission:

Foundation for Research in Genetics and Endocrinology, FRIGE's Institute of Human Genetics
Classification: Likely pathogenic for Charcot-Marie-Tooth disease type 1E. Last evaluated: 2025-01-09. Review status: criteria provided, single submitter. Criteria: ACMG Guidelines, 2015. Collection method: clinical testing. Allele origin: germline. Inheritance: Autosomal dominant inheritance. Affected: yes. Observed: 1 heterozygote.
Comment: A large heterozygous deletion of size [~1030.07 KB], on chromosome 17 [chr17:g.(?_14301519)_(15331585_?)del] encompassing multiple genes including PMP22 gene was observed. The coverage and depth of these regions are sufficiently targeted in this assay and hence, the results are likely to be suggestive of a heterozygous deletion of this region [CNV ratio: 0.51; BF value: 58.30]. Contiguous deletion overlapping this these genes have previously been reported in the literature [PMID: 20493460, 32719652].

Literature cited by the submitters: PubMed 20493460; PubMed 32719652.